The following is an entry in ClinVar:

ClinVar aggregate classification (germline): Likely benign (1 of 4 stars; one submission).

Allele frequency attached by ClinVar (database versions not stated): gnomAD 0.00001; ExAC 0.00003; gnomAD exomes 0.00003; TOPMed 0.00006.
gnomAD v4.1: 48 of 1,613,838 alleles (0.003%); highest among the groups gnomAD compares: Middle Eastern, 0.033%; no homozygotes.

Submission:

CeGaT Center for Human Genetics Tuebingen
Classification: Likely benign. Last evaluated: 2023-05-01. Review status: criteria provided, single submitter. Criteria: CeGaT Center For Human Genetics Tuebingen Variant Classification Criteria Version 2. Collection method: clinical testing. Allele origin: germline. Affected: yes. Observed: 1 variant allele.
Comment: ZNF618: BP4, BP7

NM_001318042.2(ZNF618):c.39C>T (p.Asp13=)

Gene: ZNF618 (zinc finger protein 618; plus strand). Cytogenetic location: 9q32.
Variant type: single nucleotide variant.
Coding change: c.39C>T on transcript NM_001318042.2 (MANE Select); coding-DNA position 39, C replaced by T.
Protein change: p.Asp13=; no amino-acid change (aspartic acid 13 retained).
Molecular consequence: synonymous variant.
Genome position (GRCh38, 1-based): chr9:113,969,122, C>T. VCF-style: chr9-113969122-C-T. GRCh37 (hg19) VCF-style: chr9-116731402-C-T.
Other names: c.39C>T, p.Asp13= (NM_001318040.2, NM_001318041.2, NM_133374.3).
Identifiers: ClinVar variation 2659435 (VCV002659435.24), dbSNP rs754153795, ClinGen allele CA5198946.